The following is an entry in ClinVar:

NM_022166.4(XYLT1):c.790G>A (p.Ala264Thr)

Genes: XYLT1 (xylosyltransferase 1; minus strand), LOC130058565 (ATAC-STARR-seq lymphoblastoid active region 10504; plus strand). Cytogenetic location: 16p12.3.
Variant type: single nucleotide variant.
Coding change: c.790G>A on transcript NM_022166.4 (MANE Select); coding-DNA position 790, G replaced by A.
Protein change: p.Ala264Thr; replaces alanine 264 with threonine.
Molecular consequence: missense variant.
Genome position (GRCh38, 1-based): chr16:17,259,111, C>T on the plus strand (G>A on the coding strand, the complement: XYLT1 is on the minus strand). VCF-style: chr16-17259111-C-T. GRCh37 (hg19) VCF-style: chr16-17352968-C-T.
Other names: short protein forms A264T.
Identifiers: ClinVar variation 4281533 (VCV004281533.7).

ClinVar aggregate classification (germline): Uncertain significance (1 of 4 stars; one submission).

gnomAD v4.1: 15 of 1,572,012 alleles (0.00095%); highest among the groups gnomAD compares: Non-Finnish European, 0.0013%; no homozygotes.

Submission:

CeGaT Center for Human Genetics Tuebingen
Classification: Uncertain significance. Last evaluated: 2025-09-01. Review status: criteria provided, single submitter. Criteria: CeGaT Center For Human Genetics Tuebingen Variant Classification Criteria Version 2. Collection method: clinical testing. Allele origin: germline. Affected: yes. Observed: 1 variant allele.
Comment: XYLT1: PM2